The following is an entry in ClinVar:

ClinVar aggregate classification (germline): Benign/Likely benign. Review status: criteria provided, multiple submitters, no conflicts (2 of 4 stars). 2 submissions from 2 submitters: Benign (1); Likely benign (1). Last evaluated 2025-03-24.

Conditions:
Juvenile polyposis syndrome (JPS). Identifiers: Orphanet 2929, MedGen C0345893, MONDO:0017380, OMIM 174900.
Juvenile polyposis/hereditary hemorrhagic telangiectasia syndrome (JPHT). Also called: JP/HHT SYNDROME; JUVENILE POLYPOSIS WITH HEREDITARY HEMORRHAGIC TELANGIECTASIA; POLYPOSIS, GENERALIZED JUVENILE, WITH PULMONARY ARTERIOVENOUS MALFORMATION; TELANGIECTASIA, HEREDITARY HEMORRHAGIC, WITH JUVENILE POLYPOSIS COLI; Juvenile Polyposis Syndrome / Hereditary Hemorrhagic Telangiectasia (JPS/HHT). Identifiers: Orphanet 2929, MedGen C1832942, MONDO:0008278, OMIM 175050.

Submissions (2):

Myriad Genetics, Inc.
Classification: Benign for Juvenile polyposis/hereditary hemorrhagic telangiectasia syndrome. Last evaluated: 2025-03-24. Review status: criteria provided, single submitter. Criteria: Myriad Autosomal Dominant, Autosomal Recessive and X-Linked Classification Criteria (2023). Collection method: clinical testing. Allele origin: unknown.
Comment: This variant is considered benign. This variant is a silent/synonymous amino acid change and it is not expected to impact splicing.

Labcorp Genetics (formerly Invitae), Labcorp
Classification: Likely benign for Juvenile polyposis syndrome. Last evaluated: 2021-11-08. Review status: criteria provided, single submitter. Criteria: Invitae Variant Classification Sherloc (09022015). Collection method: clinical testing. Allele origin: germline.

NM_005359.6(SMAD4):c.1398A>G (p.Ala466=)

Gene: SMAD4 (SMAD family member 4; plus strand). Cytogenetic location: 18q21.2.
Variant type: single nucleotide variant.
Coding change: c.1398A>G on transcript NM_005359.6 (MANE Select); coding-DNA position 1398, A replaced by G.
Protein change: p.Ala466=; no amino-acid change (alanine 466 retained).
Molecular consequence: synonymous variant.
Genome position (GRCh38, 1-based): chr18:51,076,727, A>G. VCF-style: chr18-51076727-A-G. GRCh37 (hg19) VCF-style: chr18-48603097-A-G.
Identifiers: ClinVar variation 1112876 (VCV001112876.8), dbSNP rs2144474327, ClinGen allele CA503873868.